The following is an entry in ClinVar:

ClinVar aggregate classification (germline): Likely benign (1 of 4 stars; one submission).

Conditions:
Cardiomyopathy (CMYO). Also called: Cardiomyopathies. Identifiers: Orphanet 167848, MedGen C0878544, MONDO:0004994, HP:0001638. Inheritance: Various modes of inheritance.

Allele frequency attached by ClinVar (database versions not stated): gnomAD exomes below 0.00001 and 0.00001; ExAC 0.00002.
gnomAD v4.1: 1 of 1,614,212 alleles (0.000062%); highest among the groups gnomAD compares: South Asian, 0.0011%; no homozygotes.

Submission:

All of Us Research Program, National Institutes of Health
Classification: Likely benign for Cardiomyopathy. Last evaluated: 2023-12-13. Review status: criteria provided, single submitter. Criteria: ACMG Guidelines, 2015. Collection method: clinical testing. Allele origin: germline. Inheritance: Autosomal dominant inheritance. Observed: 1 variant allele, 1 heterozygote.
Comment: This study involves interpretation of variants in research participants for the purpose of population health screening. Participant phenotype was not available at the time of variant classification. Additional details can be found in publication PMID: 35346344, PMCID: PMC8962531

NM_000257.4(MYH7):c.2604T>C (p.Ala868=)

Genes: MYH7 (myosin heavy chain 7; minus strand), LOC126861898 (BRD4-independent group 4 enhancer GRCh37_chr14:23893609-23894808; plus strand). Cytogenetic location: 14q11.2.
Variant type: single nucleotide variant.
Coding change: c.2604T>C on transcript NM_000257.4 (MANE Select); coding-DNA position 2604, T replaced by C.
Protein change: p.Ala868=; no amino-acid change (alanine 868 retained).
Molecular consequence: synonymous variant.
Genome position (GRCh38, 1-based): chr14:23,424,844, A>G on the plus strand (T>C on the coding strand, the complement: MYH7 is on the minus strand). VCF-style: chr14-23424844-A-G. GRCh37 (hg19) VCF-style: chr14-23894053-A-G.
Identifiers: ClinVar variation 3074760 (VCV003074760.1), dbSNP rs769628768, ClinGen allele CA033376.